The following is an entry in ClinVar:

NM_053274.3(GLMN):c.1306C>T (p.Arg436Cys)

Gene: GLMN (glomulin, FKBP associated protein; minus strand). Cytogenetic location: 1p22.1.
Variant type: single nucleotide variant.
Coding change: c.1306C>T on transcript NM_053274.3 (MANE Select); coding-DNA position 1306, C replaced by T.
Protein change: p.Arg436Cys; replaces arginine 436 with cysteine.
Molecular consequence: missense variant. On other transcripts: non-coding transcript variant (1).
Genome position (GRCh38, 1-based): chr1:92,263,726, G>A on the plus strand (C>T on the coding strand, the complement: GLMN is on the minus strand). VCF-style: chr1-92263726-G-A. GRCh37 (hg19) VCF-style: chr1-92729283-G-A.
Other names: c.1264C>T, p.Arg422Cys (NM_001319683.2); short protein forms R422C, R436C.
Identifiers: ClinVar variation 876497 (VCV000876497.5), dbSNP rs188879204, ClinGen allele CA950282.
Genomic context (GRCh38, chr1:92,263,726, plus strand): 5'-GAAAAAGTACCAAATCAAGAAGGGAAATCAACTGTGGTCCTGTAAACCATTTGTTGTTAC[G>A]TGTTCTCTGAAAAGCAAACGAAAAATTGAGAAAGCTTTATAATTCATGTAATTCATGTGT-3'
Protein context (NP_444504.1, residues 426-446): NQIDMSLKRT[Arg436Cys]NNKWFTGPQL

ClinVar aggregate classification (germline): Conflicting classifications of pathogenicity. Review status: criteria provided, conflicting classifications (1 of 4 stars). 2 submissions from 2 submitters: Uncertain significance (1); Benign (1). Last evaluated 2025-05-21.

Conditions:
Inborn genetic diseases. Identifiers: MedGen C0950123, MeSH D030342.
Glomuvenous malformation. Also called: GLOMANGIOMAS, MULTIPLE; GLOMUS TUMORS, MULTIPLE; VENOUS MALFORMATIONS WITH GLOMUS CELLS; Familial glomangioma. Identifiers: Orphanet 83454, MedGen C1841984, MONDO:0007672, OMIM 138000.

Allele frequency attached by ClinVar (database versions not stated): gnomAD exomes 0.00001 and 0.00004; gnomAD 0.00002; TOPMed 0.00003; ExAC 0.00005; 1000 Genomes Project 30x 0.00031; 1000 Genomes Project 0.00040.

Submissions (2):

Ambry Genetics
Classification: Uncertain significance for Inborn genetic diseases. Last evaluated: 2025-05-21. Review status: criteria provided, single submitter. Criteria: Ambry Variant Classification Scheme 2023. Collection method: clinical testing. Allele origin: germline.

Illumina Laboratory Services, Illumina
Classification: Benign for Glomuvenous malformation. Last evaluated: 2018-01-12. Review status: criteria provided, single submitter. Criteria: ICSL Variant Classification Criteria 13 December 2019. Collection method: clinical testing. Allele origin: germline.
Comment: This variant was observed in the ICSL laboratory as part of a predisposition screen in an ostensibly healthy population. It had not been previously curated by ICSL or reported in the Human Gene Mutation Database (HGMD: prior to June 1st, 2018), and was therefore a candidate for classification through an automated scoring system. Utilizing variant allele frequency, disease prevalence and penetrance estimates, and inheritance mode, an automated score was calculated to assess if this variant is too frequent to cause the disease. Based on the score and internal cut-off values, a variant classified as benign is not then subjected to further curation. The score for this variant resulted in a classification of benign for this disease.